The following is an entry in ClinVar:

NM_030916.3(NECTIN4):c.1260C>T (p.Ala420=)

Gene: NECTIN4 (nectin cell adhesion molecule 4; minus strand). Cytogenetic location: 1q23.3.
Variant type: single nucleotide variant.
Coding change: c.1260C>T on transcript NM_030916.3 (MANE Select); coding-DNA position 1260, C replaced by T.
Protein change: p.Ala420=; no amino-acid change (alanine 420 retained).
Molecular consequence: synonymous variant.
Genome position (GRCh38, 1-based): chr1:161,073,273, G>A on the plus strand (C>T on the coding strand, the complement: NECTIN4 is on the minus strand). VCF-style: chr1-161073273-G-A. GRCh37 (hg19) VCF-style: chr1-161043063-G-A.
Other names: c.1260C>T (NM_030916.2).
Identifiers: ClinVar variation 2067296 (VCV002067296.5), dbSNP rs149546845, ClinGen allele CA1204848.

ClinVar aggregate classification (germline): Likely benign. Review status: criteria provided, multiple submitters, no conflicts (2 of 4 stars). 2 submissions from 2 submitters: Likely benign (2). Last evaluated 2026-06-29.

Conditions:
NECTIN4-related disorder. Also called: NECTIN4-related condition.

Allele frequency attached by ClinVar (database versions not stated): gnomAD exomes 0.00004; ExAC 0.00017; ESP Exome Variant Server 0.00031; gnomAD 0.00046; TOPMed 0.00046; 1000 Genomes Project 30x 0.00094; 1000 Genomes Project 0.00100.

Submissions (2):

PreventionGenetics, part of Exact Sciences
Classification: Likely benign for NECTIN4-related condition. Last evaluated: 2026-06-29. Review status: criteria provided, single submitter. Criteria: ACMG Guidelines, 2015. Collection method: clinical testing. Allele origin: germline.
Comment: This variant is classified as likely benign based on ACMG/AMP sequence variant interpretation guidelines (Richards et al. 2015 PMID: 25741868, with internal and published modifications).

Labcorp Genetics (formerly Invitae), Labcorp
Classification: Likely benign. Last evaluated: 2022-08-18. Review status: criteria provided, single submitter. Criteria: Invitae Variant Classification Sherloc (09022015). Collection method: clinical testing. Allele origin: germline.